The following is an entry in ClinVar:

NM_000059.4(BRCA2):c.6694A>G (p.Lys2232Glu)

Gene: BRCA2 (BRCA2 DNA repair associated; plus strand). Cytogenetic location: 13q13.1.
Variant type: single nucleotide variant.
Coding change: c.6694A>G on transcript NM_000059.4 (MANE Select); coding-DNA position 6694, A replaced by G.
Protein change: p.Lys2232Glu; replaces lysine 2232 with glutamic acid.
Molecular consequence: missense variant.
Genome position (GRCh38, 1-based): chr13:32,341,049, A>G. VCF-style: chr13-32341049-A-G. GRCh37 (hg19) VCF-style: chr13-32915186-A-G.
Other names: short protein forms K2232E.
Identifiers: ClinVar variation 185305 (VCV000185305.17), dbSNP rs781219481, ClinGen allele CA024303.
Genomic context (GRCh38, chr13:32,341,049, plus strand): 5'-TGTTCTACTTACTCCAAAGATTCAGAAAACTACTTTGAAACAGAAGCAGTAGAAATTGCT[A>G]AAGCTTTTATGGAAGATGATGAACTGACAGATTCTAAACTGCCAAGTCATGCCACACATT-3'
Protein context (NP_000050.3, residues 2222-2242): YFETEAVEIA[Lys2232Glu]AFMEDDELTD

ClinVar aggregate classification (germline): Conflicting classifications of pathogenicity. Review status: criteria provided, conflicting classifications (1 of 4 stars). 3 submissions from 3 submitters: Uncertain significance (2); Likely benign (1). Last evaluated 2023-10-17.

Conditions:
Hereditary cancer-predisposing syndrome. Also called: Hereditary neoplastic syndrome; Neoplastic Syndromes, Hereditary; Tumor predisposition; Hereditary Cancer Syndrome. Identifiers: Orphanet 140162, MedGen C0027672, MeSH D009386, MONDO:0015356.
Hereditary breast ovarian cancer syndrome. Also called: Hereditary breast and ovarian cancer syndrome (HBOC); Breast and ovarian cancer; Hereditary breast and/or ovarian cancer syndrome; BRCA1- and BRCA2-Associated Hereditary Breast and Ovarian Cancer; Hereditary breast and ovarian cancer syndrome; Hereditary breast and ovarian cancer. Identifiers: Orphanet 145, MedGen C0677776, MeSH D061325, MONDO:0003582. Disease mechanism: loss of function.

Allele frequency attached by ClinVar (database versions not stated): ExAC 0.00001; gnomAD exomes below 0.00001.
gnomAD v4.1: 5 of 1,613,966 alleles (0.00031%); highest among the groups gnomAD compares: Non-Finnish European, 0.00042%; no homozygotes.

Submissions (3):

Ambry Genetics
Classification: Uncertain significance for Hereditary cancer-predisposing syndrome. Last evaluated: 2023-10-17. Review status: criteria provided, single submitter. Criteria: Ambry Variant Classification Scheme 2023. Collection method: clinical testing. Allele origin: germline.
Comment: The p.K2232E variant (also known as c.6694A>G), located in coding exon 10 of the BRCA2 gene, results from an A to G substitution at nucleotide position 6694. The lysine at codon 2232 is replaced by glutamic acid, an amino acid with similar properties. This amino acid position is not well conserved in available vertebrate species. In addition, the in silico prediction for this alteration is inconclusive. Since supporting evidence is limited at this time, the clinical significance of this alteration remains unclear.

University of Washington Department of Laboratory Medicine, University of Washington
Classification: Likely benign for Hereditary cancer-predisposing syndrome. Last evaluated: 2023-03-23. Review status: criteria provided, single submitter. Criteria: Dines et al. (Genet Med. 2020). Collection method: curation. Allele origin: germline.
Comment: Missense variant in a coldspot region where missense variants are very unlikely to be pathogenic (PMID:31911673).

BRCA2 exon 11 coldspot. Reclassification based on statistical prior probability.

Labcorp Genetics (formerly Invitae), Labcorp
Classification: Uncertain significance for Hereditary breast ovarian cancer syndrome. Last evaluated: 2023-03-07. Review status: criteria provided, single submitter. Criteria: Invitae Variant Classification Sherloc (09022015). Collection method: clinical testing. Allele origin: germline.
Comment: In summary, the available evidence is currently insufficient to determine the role of this variant in disease. Therefore, it has been classified as a Variant of Uncertain Significance. Advanced modeling of protein sequence and biophysical properties (such as structural, functional, and spatial information, amino acid conservation, physicochemical variation, residue mobility, and thermodynamic stability) performed at Invitae indicates that this missense variant is not expected to disrupt BRCA2 protein function. ClinVar contains an entry for this variant (Variation ID: 185305). This variant has not been reported in the literature in individuals affected with BRCA2-related conditions. This variant is present in population databases (rs781219481, gnomAD 0.0009%). This sequence change replaces lysine, which is basic and polar, with glutamic acid, which is acidic and polar, at codon 2232 of the BRCA2 protein (p.Lys2232Glu).